The following is an entry in ClinVar:

ClinVar aggregate classification (germline): Benign/Likely benign. Review status: criteria provided, multiple submitters, no conflicts (2 of 4 stars). 3 submissions from 3 submitters: Benign (2); Likely benign (1). Last evaluated 2025-02-16.

Submissions (3):

Laboratory of Genetics, Children's Clinical University Hospital Latvia
Classification: Likely benign. Last evaluated: 2025-02-16. Review status: criteria provided, single submitter. Criteria: ACMG Guidelines, 2015. Collection method: clinical testing. Allele origin: germline. Affected: yes.

Mendelics
Classification: Benign. Last evaluated: 2022-05-04. Review status: criteria provided, single submitter. Criteria: Mendelics Assertion Criteria 2019. Collection method: clinical testing. Allele origin: germline.

Laboratory for Molecular Medicine, Mass General Brigham Personalized Medicine
Classification: Benign. Last evaluated: 2016-03-28. Review status: criteria provided, single submitter. Criteria: LMM Criteria. Collection method: clinical testing. Allele origin: germline.
Comment: Variant identified in a genome or exome case(s) and assessed due to predicted null impact of the variant or pathogenic assertions in the literature or databases. Disclaimer: This variant has not undergone full assessment. The following are preliminary notes: Frequency (18 homozygotes in ExAC)

NM_002249.6(KCNN3):c.200AGC[13] (p.Gln80del)

Gene: KCNN3 (potassium calcium-activated channel subfamily N member 3; minus strand). Cytogenetic location: 1q21.3.
Variant type: Microsatellite.
Coding change: c.200AGC[13] on transcript NM_002249.6 (MANE Select); 13 copies in a row of the 3-base unit AGC starting at c.200; the reference has 14 copies in a row; one copy, 3 bases deleted.
Protein change: p.Gln80del; deletes glutamine 80.
Molecular consequence: inframe deletion.
Genome position (GRCh38, 1-based): chr1:154,869,724-154,869,726, GCT deleted on the plus strand (AGC on the coding strand, the reverse complement: KCNN3 is on the minus strand); deleting any 3 consecutive bases within chr1:154,869,724-154,869,766 gives the same sequence; the position shown is the placement nearest the transcript's 3' end. VCF-style (leftmost placement, unchanged base first): chr1-154869723-GGCT-G. GRCh37 (hg19) VCF-style: chr1-154842199-GGCT-G.
Other names: c.239_241delAGC (NM_001204087.1); c.200AGC[13], p.Gln80del (NM_001204087.2); short protein forms Q80del.
Identifiers: ClinVar variation 403004 (VCV000403004.6), dbSNP rs3831942, ClinGen allele CA1132329.